The following is an entry in ClinVar:

NM_000231.3(SGCG):c.121CTT[1] (p.Leu44del)

Gene: SGCG (sarcoglycan gamma; plus strand). Cytogenetic location: 13q12.12.
Variant type: Microsatellite.
Coding change: c.121CTT[1] on transcript NM_000231.3 (MANE Select); one copy of the 3-base unit CTT starting at c.121; the reference has two copies in a row; one copy, 3 bases deleted; also written c.124_126del.
Protein change: p.Leu44del; deletes leucine 44.
Molecular consequence: inframe deletion.
Genome position (GRCh38, 1-based): chr13:23,203,818-23,203,820, CTT deleted; deleting any 3 consecutive bases within chr13:23,203,813-23,203,820 gives the same sequence; the position shown is the placement nearest the transcript's 3' end. VCF-style (leftmost placement, unchanged base first): chr13-23203812-GTTC-G. GRCh37 (hg19) VCF-style: chr13-23777951-GTTC-G.
Other names: c.124_126del (NM_000231.2); c.124_126delCTT (NM_000231.2); c.175CTT[1], p.Leu62del (NM_001378244.1); c.121CTT[1], p.Leu44del (NM_001378245.1, NM_001378246.1); short protein forms L44del, L62del.
Identifiers: ClinVar variation 530804 (VCV000530804.39), dbSNP rs1349925286, ClinGen allele CA608985111.
Genomic context (GRCh38, chr13:23,203,812, plus strand): 5'-AATCAGTATGTCTACAAAATTGGCATTTATGGCTGGAGAAAGCGCTGTCTCTACTTGTTT[GTTC>G]TTCTTTTACTCATCATCCTCGTTGTGAATTTAGCTCTTACAATTTGGATTCTTAAAGTGA-3'

ClinVar aggregate classification (germline): Conflicting classifications of pathogenicity. Review status: criteria provided, conflicting classifications (1 of 4 stars). 3 submissions from 3 submitters: Likely pathogenic (1); Uncertain significance (2). Last evaluated 2023-05-05.

Conditions:
Autosomal recessive limb-girdle muscular dystrophy type 2C (LGMDR5). Also called: MUSCULAR DYSTROPHY, DUCHENNE-LIKE; MUSCULAR DYSTROPHY, LIMB-GIRDLE, AUTOSOMAL RECESSIVE 5. Identifiers: Orphanet 353, MedGen C0410173, MONDO:0009677, OMIM 253700. Disease mechanism: Affects gamma-sarcoglycan and also disrupts the integrity of the entire sarcoglycan complex..

Submissions (3):

Revvity Omics, Revvity
Classification: Uncertain significance for Autosomal recessive limb-girdle muscular dystrophy type 2C. Last evaluated: 2023-05-05. Review status: criteria provided, single submitter. Criteria: ACMG Guidelines, 2015. Collection method: clinical testing. Allele origin: germline.

Labcorp Genetics (formerly Invitae), Labcorp
Classification: Uncertain significance for Autosomal recessive limb-girdle muscular dystrophy type 2C. Last evaluated: 2022-07-03. Review status: criteria provided, single submitter. Criteria: Invitae Variant Classification Sherloc (09022015). Collection method: clinical testing. Allele origin: germline.
Comment: This variant, c.124_126del, results in the deletion of 1 amino acid(s) of the SGCG protein (p.Leu44del), but otherwise preserves the integrity of the reading frame. This variant is not present in population databases (gnomAD no frequency). This variant has not been reported in the literature in individuals affected with SGCG-related conditions. ClinVar contains an entry for this variant (Variation ID: 530804). Experimental studies and prediction algorithms are not available or were not evaluated, and the functional significance of this variant is currently unknown. In summary, the available evidence is currently insufficient to determine the role of this variant in disease. Therefore, it has been classified as a Variant of Uncertain Significance.

Kariminejad - Najmabadi Pathology & Genetics Center
Classification: Likely pathogenic for Autosomal recessive limb-girdle muscular dystrophy type 2C. Last evaluated: 2018-06-25. Review status: criteria provided, single submitter. Criteria: ACMG Guidelines, 2015. Collection method: clinical testing. Allele origin: germline. Inheritance: Autosomal recessive inheritance. Affected: yes.
Comment: PM2 PM4 PM3?